The following is an entry in ClinVar:

NM_015030.2(FRYL):c.5131C>T (p.Leu1711Phe)

Gene: FRYL (FRY like transcription coactivator; minus strand). Cytogenetic location: 4p11.
Variant type: single nucleotide variant.
Coding change: c.5131C>T on transcript NM_015030.2 (MANE Select); coding-DNA position 5131, C replaced by T.
Protein change: p.Leu1711Phe; replaces leucine 1711 with phenylalanine.
Molecular consequence: missense variant.
Genome position (GRCh38, 1-based): chr4:48,546,215, G>A on the plus strand (C>T on the coding strand, the complement: FRYL is on the minus strand). VCF-style: chr4-48546215-G-A. GRCh37 (hg19) VCF-style: chr4-48548232-G-A.
Other names: short protein forms L1711F.
Identifiers: ClinVar variation 5037406 (VCV005037406.1).
Genomic context (GRCh38, chr4:48,546,215, plus strand): 5'-GTGAAATGGCAGCACTGTTATTTCCTAAGCTGATACTAGAAGAGGTAGAACTTGAGCTAA[G>A]CCCTGAGTCAGTCATAGGGGAGGGCTGGTAATCAGGTATAAAATCGTTAATGCCTGCTGA-3'
Protein context (NP_055845.1, residues 1701-1721): YQPSPMTDSG[Leu1711Phe]SSSSTSSSIS

ClinVar aggregate classification (germline): Uncertain significance (1 of 4 stars; one submission).

Submission:

GeneDx
Classification: Uncertain significance. Last evaluated: 2026-04-18. Review status: criteria provided, single submitter. Criteria: GeneDx Variant Classification Process June 2021. Collection method: clinical testing. Allele origin: germline.
Comment: Not observed at significant frequency in large population cohorts (gnomAD); In silico analysis suggests that this missense variant does not alter protein structure/function; Has not been previously published as pathogenic or benign to our knowledge